The following is an entry in ClinVar:

NM_004385.5(VCAN):c.8849C>A (p.Thr2950Asn)

Genes: VCAN (versican; plus strand), VCAN-AS1 (VCAN antisense RNA 1; minus strand). Cytogenetic location: 5q14.3.
Variant type: single nucleotide variant.
Coding change: c.8849C>A on transcript NM_004385.5 (MANE Select); coding-DNA position 8849, C replaced by A.
Protein change: p.Thr2950Asn; replaces threonine 2950 with asparagine.
Molecular consequence: missense variant. On other transcripts: intron variant (2).
Genome position (GRCh38, 1-based): chr5:83,541,852, C>A. VCF-style: chr5-83541852-C-A. GRCh37 (hg19) VCF-style: chr5-82837671-C-A.
Other names: c.5888C>A, p.Thr1963Asn (NM_001164097.2); c.4004-3685C>A (NM_001164098.2); c.1043-3685C>A (NM_001126336.3); short protein forms T1963N, T2950N.
Identifiers: ClinVar variation 2989910 (VCV002989910.3), dbSNP rs2479125087, ClinGen allele CA360294316.
Genomic context (GRCh38, chr5:83,541,852, plus strand): 5'-AAGATTTCCAAAACAAAACCGATGGTCAAGTTTCTGGAGAAGCAATCAAGATGTTTCCCA[C>A]CATTAAAACACCTGAGGCTGGAACTGTTATTACAACTGCCGATGAAATTGAATTAGAAGG-3'
Protein context (NP_004376.2, residues 2940-2960): VSGEAIKMFP[Thr2950Asn]IKTPEAGTVI

ClinVar aggregate classification (germline): Uncertain significance (1 of 4 stars; one submission).

Allele frequency attached by ClinVar (database versions not stated): gnomAD exomes below 0.00001.
gnomAD v4.1: 1 of 1,614,028 alleles (0.000062%); highest among the groups gnomAD compares: Non-Finnish European, 0.000085%; no homozygotes.

Submission:

Labcorp Genetics (formerly Invitae), Labcorp
Classification: Uncertain significance. Last evaluated: 2024-01-03. Review status: criteria provided, single submitter. Criteria: Invitae Variant Classification Sherloc (09022015). Collection method: clinical testing. Allele origin: germline.
Comment: This sequence change replaces threonine, which is neutral and polar, with asparagine, which is neutral and polar, at codon 2950 of the VCAN protein (p.Thr2950Asn). This variant is not present in population databases (gnomAD no frequency). This variant has not been reported in the literature in individuals affected with VCAN-related conditions. Algorithms developed to predict the effect of missense changes on protein structure and function output the following: SIFT: "Not Available"; PolyPhen-2: "Benign"; Align-GVGD: "Not Available". The asparagine amino acid residue is found in multiple mammalian species, which suggests that this missense change does not adversely affect protein function. In summary, the available evidence is currently insufficient to determine the role of this variant in disease. Therefore, it has been classified as a Variant of Uncertain Significance.